The following is an entry in ClinVar:

NM_017617.5(NOTCH1):c.1689C>T (p.Cys563=)

Gene: NOTCH1 (notch receptor 1; minus strand). Cytogenetic location: 9q34.3.
Variant type: single nucleotide variant.
Coding change: c.1689C>T on transcript NM_017617.5 (MANE Select); coding-DNA position 1689, C replaced by T.
Protein change: p.Cys563=; no amino-acid change (cysteine 563 retained).
Molecular consequence: synonymous variant.
Genome position (GRCh38, 1-based): chr9:136,515,697, G>A on the plus strand (C>T on the coding strand, the complement: NOTCH1 is on the minus strand). VCF-style: chr9-136515697-G-A. GRCh37 (hg19) VCF-style: chr9-139410149-G-A.
Other names: c.1689C>T, p.Cys563= (LRG_1122t1).
Identifiers: ClinVar variation 520026 (VCV000520026.55), dbSNP rs760548976, ClinGen allele CA5341658.

ClinVar aggregate classification (germline): Benign/Likely benign. Review status: criteria provided, multiple submitters, no conflicts (2 of 4 stars). 8 submissions from 7 submitters: Benign (4); Likely benign (3). 1 of the submissions does not count toward it. Last evaluated 2026-01-25.

Conditions:
NOTCH1-related disorder. Also called: NOTCH1-related condition; NOTCH1-related disorders.
Adams-Oliver syndrome 5 (AOS5). Identifiers: Orphanet 974, MedGen C4014970, MONDO:0014459, OMIM 616028.
Familial thoracic aortic aneurysm and aortic dissection (TAAD). Also called: Thoracic aortic aneurysms and dissections. Identifiers: Orphanet 91387, MedGen C4707243, MONDO:0019625.
Connective tissue disorder. Also called: Connective tissue disease. Identifiers: MedGen C0009782, MONDO:0003900.
Aortic valve disease 1 (AOVD1). Identifiers: MedGen C3887892, MONDO:0024523, OMIM 109730.

Allele frequency attached by ClinVar (database versions not stated): TOPMed 0.00002; gnomAD exomes 0.00008 and 0.00017; gnomAD 0.00016 and 0.00018; ExAC 0.00017.
gnomAD v4.1: 138 of 1,545,312 alleles (0.0089%); highest among the groups gnomAD compares: South Asian, 0.025%; no homozygotes.

Submissions (8):

Labcorp Genetics (formerly Invitae), Labcorp
Classification: Benign for Adams-Oliver syndrome 5. Last evaluated: 2026-01-25. Review status: criteria provided, single submitter. Criteria: Invitae Variant Classification Sherloc (09022015). Collection method: clinical testing. Allele origin: germline.

Blueprint Genetics
Classification: Likely benign. Last evaluated: 2023-09-12. Review status: criteria provided, single submitter. Criteria: ACMG Guidelines, 2015. Collection method: clinical testing. Allele origin: germline.

Women's Health and Genetics/Laboratory Corporation of America, LabCorp
Classification: Benign. Last evaluated: 2023-07-21. Review status: criteria provided, single submitter. Criteria: LabCorp Variant Classification Summary - May 2015. Collection method: clinical testing. Allele origin: germline.

Genome-Nilou Lab
Classification: Benign for Adams-Oliver syndrome 5. Last evaluated: 2022-03-15. Review status: criteria provided, single submitter. Criteria: ACMG Guidelines, 2015. Collection method: clinical testing. Allele origin: germline. Affected: no.

Genome-Nilou Lab
Classification: Benign for Aortic valve disease 1. Last evaluated: 2022-03-15. Review status: criteria provided, single submitter. Criteria: ACMG Guidelines, 2015. Collection method: clinical testing. Allele origin: germline. Affected: no.

Center for Human Genetics, Inc
Classification: Likely benign for Connective tissue disorder. Last evaluated: 2018-06-01. Review status: criteria provided, single submitter. Criteria: ACMG Guidelines, 2015. Collection method: clinical testing. Allele origin: germline. Affected: yes.

Ambry Genetics
Classification: Likely benign for Familial thoracic aortic aneurysm and aortic dissection. Last evaluated: 2017-03-27. Review status: criteria provided, single submitter. Criteria: Ambry Variant Classification Scheme 2023. Collection method: clinical testing. Allele origin: germline.

PreventionGenetics, part of Exact Sciences
Classification: Likely benign for NOTCH1-related condition. Last evaluated: 2019-08-05. Review status: no assertion criteria provided. Collection method: clinical testing. Allele origin: germline. Not counted in ClinVar's aggregate classification.
Comment: This variant is classified as likely benign based on ACMG/AMP sequence variant interpretation guidelines (Richards et al. 2015 PMID: 25741868, with internal and published modifications).